The following is an entry in ClinVar:

ClinVar aggregate classification (germline): Uncertain significance (1 of 4 stars; one submission).

Conditions:
Inborn genetic diseases. Identifiers: MedGen C0950123, MeSH D030342.

gnomAD v4.1: 2 of 1,614,196 alleles (0.00012%); highest among the groups gnomAD compares: South Asian, 0.0011%; no homozygotes.

Submission:

Ambry Genetics
Classification: Uncertain significance for Inborn genetic diseases. Last evaluated: 2025-07-15. Review status: criteria provided, single submitter. Criteria: Ambry Variant Classification Scheme 2023. Collection method: clinical testing. Allele origin: germline.
Comment: The p.I246T variant (also known as c.737T>C), located in coding exon 6 of the BMPR2 gene, results from a T to C substitution at nucleotide position 737. The isoleucine at codon 246 is replaced by threonine, an amino acid with similar properties. This amino acid position is conserved. In addition, this alteration is predicted to be deleterious by in silico analysis. Based on the available evidence, the clinical significance of this variant remains unclear.

NM_001204.7(BMPR2):c.737T>C (p.Ile246Thr)

Gene: BMPR2 (bone morphogenetic protein receptor type 2; plus strand). Cytogenetic location: 2q33.2.
Variant type: single nucleotide variant.
Coding change: c.737T>C on transcript NM_001204.7 (MANE Select); coding-DNA position 737, T replaced by C.
Protein change: p.Ile246Thr; replaces isoleucine 246 with threonine.
Molecular consequence: missense variant.
Genome position (GRCh38, 1-based): chr2:202,518,937, T>C. VCF-style: chr2-202518937-T-C. GRCh37 (hg19) VCF-style: chr2-203383660-T-C.
Other names: short protein forms I246T.
Identifiers: ClinVar variation 4214448 (VCV004214448.1).